The following is an entry in ClinVar:

ClinVar aggregate classification (germline): Uncertain significance (1 of 4 stars; one submission).

Submission:

GeneDx
Classification: Uncertain significance. Last evaluated: 2023-12-18. Review status: criteria provided, single submitter. Criteria: GeneDx Variant Classification Process June 2021. Collection method: clinical testing. Allele origin: germline. Affected: yes.
Comment: Not observed at significant frequency in large population cohorts (gnomAD); In silico analysis supports that this missense variant has a deleterious effect on protein structure/function; Has not been previously published as pathogenic or benign to our knowledge

NM_001829.4(CLCN3):c.1775C>A (p.Ser592Tyr)

Gene: CLCN3 (chloride voltage-gated channel 3; plus strand). Cytogenetic location: 4q33.
Variant type: single nucleotide variant.
Coding change: c.1775C>A on transcript NM_001829.4 (MANE Select); coding-DNA position 1775, C replaced by A.
Protein change: p.Ser592Tyr; replaces serine 592 with tyrosine.
Molecular consequence: missense variant.
Genome position (GRCh38, 1-based): chr4:169,706,892, C>A. VCF-style: chr4-169706892-C-A. GRCh37 (hg19) VCF-style: chr4-170628043-C-A.
Other names: c.1694C>A, p.Ser565Tyr (NM_001243372.2, NM_001243374.2); c.1775C>A, p.Ser592Tyr (NM_173872.4); short protein forms S565Y, S592Y.
Identifiers: ClinVar variation 3365598 (VCV003365598.1).